The following is an entry in ClinVar:

ClinVar aggregate classification (germline): Uncertain significance (1 of 4 stars; one submission).

Conditions:
Parathyroid carcinoma (PRTC). Also called: CDC73-Related Parathyroid Carcinoma; Parathyroid gland carcinoma. Identifiers: Orphanet 143, MedGen C0687150, MONDO:0012004, OMIM 608266, HP:0006780.

Submission:

Labcorp Genetics (formerly Invitae), Labcorp
Classification: Uncertain significance for Parathyroid carcinoma. Last evaluated: 2024-03-28. Review status: criteria provided, single submitter. Criteria: Invitae Variant Classification Sherloc (09022015). Collection method: clinical testing. Allele origin: germline.
Comment: This sequence change falls in intron 9 of the CDC73 gene. It does not directly change the encoded amino acid sequence of the CDC73 protein. It affects a nucleotide within the consensus splice site. This variant is not present in population databases (gnomAD no frequency). This variant has not been reported in the literature in individuals affected with CDC73-related conditions. Variants that disrupt the consensus splice site are a relatively common cause of aberrant splicing (PMID: 17576681, 9536098). Algorithms developed to predict the effect of sequence changes on RNA splicing suggest that this variant is not likely to affect RNA splicing. In summary, the available evidence is currently insufficient to determine the role of this variant in disease. Therefore, it has been classified as a Variant of Uncertain Significance.

Literature cited by the submitters: PubMed 17576681; PubMed 9536098.

NM_024529.5(CDC73):c.907+4A>C

Gene: CDC73 (cell division cycle 73; plus strand). Cytogenetic location: 1q31.2.
Variant type: single nucleotide variant.
Coding change: c.907+4A>C on transcript NM_024529.5 (MANE Select); 4 bases into the intron after coding-DNA position 907, A replaced by C.
Molecular consequence: intron variant.
Genome position (GRCh38, 1-based): chr1:193,150,386, A>C. VCF-style: chr1-193150386-A-C. GRCh37 (hg19) VCF-style: chr1-193119516-A-C.
Identifiers: ClinVar variation 3647949 (VCV003647949.2).